The following is an entry in ClinVar:

NM_001198690.2(PPAN-P2RY11):c.1520C>T (p.Ser507Phe)

Genes: P2RY11 (purinergic receptor P2Y11; plus strand), PPAN-P2RY11 (PPAN-P2RY11 readthrough; plus strand), LOC113939967 (Sharpr-MPRA regulatory region 3609; plus strand). Cytogenetic location: 19p13.2.
Variant type: single nucleotide variant.
Coding change: c.1520C>T on transcript NM_001198690.2; coding-DNA position 1520, C replaced by T.
Protein change: p.Ser507Phe; replaces serine 507 with phenylalanine.
Molecular consequence: missense variant. On other transcripts: synonymous variant (2).
Genome position (GRCh38, 1-based): chr19:10,113,811, C>T. VCF-style: chr19-10113811-C-T. GRCh37 (hg19) VCF-style: chr19-10224487-C-T.
Other names: c.198C>T, p.Val66= (NM_002566.5); c.1458C>T, p.Val486= (NM_001040664.3); short protein forms S507F.
Identifiers: ClinVar variation 3041964 (VCV003041964.2), dbSNP rs760333567, ClinGen allele CA9186324.

ClinVar aggregate classification (germline): Likely benign (0 of 4 stars; one submission).

Conditions:
PPAN-P2RY11-related disorder. Also called: PPAN-P2RY11-related condition.

Submission:

PreventionGenetics, part of Exact Sciences
Classification: Likely benign for PPAN-P2RY11-related condition. Last evaluated: 2020-04-10. Review status: no assertion criteria provided. Collection method: clinical testing. Allele origin: germline.
Comment: This variant is classified as likely benign based on ACMG/AMP sequence variant interpretation guidelines (Richards et al. 2015 PMID: 25741868, with internal and published modifications).